The following is an entry in ClinVar:

ClinVar aggregate classification (germline): Likely pathogenic (1 of 4 stars; one submission).

Submission:

GeneDx
Classification: Likely pathogenic. Last evaluated: 2026-02-22. Review status: criteria provided, single submitter. Criteria: GeneDx Variant Classification Process June 2021. Collection method: clinical testing. Allele origin: germline.
Comment: Not observed at significant frequency in large population cohorts (gnomAD); In silico analysis supports that this missense variant has a deleterious effect on protein structure/function; In silico analysis is inconclusive as to whether the variant alters gene splicing. In the absence of RNA/functional studies, the actual effect of this sequence change is unknown.; Missense variants in this gene are a common cause of disease and they are underrepresented in the general population; Has not been previously published as pathogenic or benign to our knowledge; This variant is associated with the following publications: (PMID: 29493581)

NM_004333.6(BRAF):c.1738A>T (p.Asn580Tyr)

Gene: BRAF (B-Raf proto-oncogene, serine/threonine kinase; minus strand). Cytogenetic location: 7q34.
Variant type: single nucleotide variant.
Coding change: c.1738A>T on transcript NM_004333.6 (MANE Select); coding-DNA position 1738, A replaced by T.
Protein change: p.Asn580Tyr; replaces asparagine 580 with tyrosine.
Molecular consequence: missense variant.
Genome position (GRCh38, 1-based): chr7:140,754,190, T>A on the plus strand (A>T on the coding strand, the complement: BRAF is on the minus strand). VCF-style: chr7-140754190-T-A. GRCh37 (hg19) VCF-style: chr7-140453990-T-A.
Other names: c.1738A>T, p.Asn580Tyr (NM_001354609.2, NM_001378468.1, NM_001378474.1); c.1858A>T, p.Asn620Tyr (NM_001374244.1, NM_001374258.1); c.1747A>T, p.Asn583Tyr (NM_001378467.1); c.1672A>T, p.Asn558Tyr (NM_001378469.1); c.1636A>T, p.Asn546Tyr (NM_001378470.1); c.1627A>T, p.Asn543Tyr (NM_001378471.1); c.1582A>T, p.Asn528Tyr (NM_001378472.1, NM_001378473.1); c.1474A>T, p.Asn492Tyr (NM_001378475.1); short protein forms N492Y, N528Y, N543Y, N546Y, N558Y, N580Y, N583Y, N620Y.
Identifiers: ClinVar variation 4888056 (VCV004888056.1).
Genomic context (GRCh38, chr7:140,754,190, plus strand): 5'-GCAGAAGAAAAAGTCAGGATGTTTTCAAACTTCGCAGACAAATTTCAGGAAGGATACTAT[T>A]ACTCTTGAGGTCTCTGTGGATGATTGACTTGGCGTGTAAGTAACTGAAAAACAAAACATC-3'
Protein context (NP_004324.2, residues 570-590): KSIIHRDLKS[Asn580Tyr]NIFLHEDLTV